The following is an entry in ClinVar:

NM_000368.5(TSC1):c.2225del (p.Leu742fs)

Gene: TSC1 (TSC complex subunit 1; minus strand). Cytogenetic location: 9q34.13.
Variant type: Deletion.
Coding change: c.2225del on transcript NM_000368.5 (MANE Select); coding-DNA position 2225, one base deleted (T; older notation c.2225delT).
Protein change: p.Leu742fs; shifts the reading frame from leucine 742.
Molecular consequence: frameshift variant.
Genome position (GRCh38, 1-based): chr9:132,902,771, A deleted on the plus strand (T on the coding strand, the reverse complement: TSC1 is on the minus strand); the first of 2 consecutive A bases (chr9:132,902,771-132,902,772); deleting either gives the same sequence. VCF-style (leftmost placement, unchanged base first): chr9-132902770-TA-T. GRCh37 (hg19) VCF-style: chr9-135778157-TA-T.
Other names: c.2225delT (NM_000368.5); c.2222del, p.Leu741fs (NM_001162426.2); c.2072del, p.Leu691fs (NM_001162427.2); c.1862del, p.Leu621fs (NM_001362177.2); short protein forms L621fs, L691fs, L741fs, L742fs.
Identifiers: ClinVar variation 1690391 (VCV001690391.2), dbSNP rs2131741069, ClinGen allele CA2573144237.

ClinVar aggregate classification (germline): Likely pathogenic (1 of 4 stars; one submission).

Submission:

Laboratorio de Genetica e Diagnostico Molecular, Hospital Israelita Albert Einstein
Classification: Likely pathogenic. Last evaluated: 2021-06-16. Review status: criteria provided, single submitter. Criteria: ACMG Guidelines, 2015. Collection method: clinical testing. Allele origin: germline. Affected: yes.
Comment: ACMG classification criteria: PVS1, PM2